The following is an entry in ClinVar:

ClinVar aggregate classification (germline): Uncertain significance (1 of 4 stars; one submission).

Conditions:
Peroxisome biogenesis disorder 5A (Zellweger) (PBD5A). Identifiers: Orphanet 912, MedGen C3553940, MONDO:0013932, OMIM 614866.

Allele frequency attached by ClinVar (database versions not stated): gnomAD exomes 0.00001.

Submission:

Labcorp Genetics (formerly Invitae), Labcorp
Classification: Uncertain significance for Peroxisome biogenesis disorder 5A (Zellweger). Last evaluated: 2023-08-04. Review status: criteria provided, single submitter. Criteria: Invitae Variant Classification Sherloc (09022015). Collection method: clinical testing. Allele origin: germline.
Comment: An algorithm developed to predict the effect of missense changes on protein structure and function (PolyPhen-2) suggests that this variant is likely to be tolerated. In summary, the available evidence is currently insufficient to determine the role of this variant in disease. Therefore, it has been classified as a Variant of Uncertain Significance. ClinVar contains an entry for this variant (Variation ID: 1519677). This variant has not been reported in the literature in individuals affected with PEX2-related conditions. This variant is not present in population databases (gnomAD no frequency). This sequence change replaces methionine, which is neutral and non-polar, with isoleucine, which is neutral and non-polar, at codon 299 of the PEX2 protein (p.Met299Ile).

NM_000318.3(PEX2):c.897G>A (p.Met299Ile)

Gene: PEX2 (peroxisomal biogenesis factor 2; minus strand). Cytogenetic location: 8q21.13.
Variant type: single nucleotide variant.
Coding change: c.897G>A on transcript NM_000318.3 (MANE Select); coding-DNA position 897, G replaced by A.
Protein change: p.Met299Ile; replaces methionine 299 with isoleucine.
Molecular consequence: missense variant.
Genome position (GRCh38, 1-based): chr8:76,983,282, C>T on the plus strand (G>A on the coding strand, the complement: PEX2 is on the minus strand). VCF-style: chr8-76983282-C-T. GRCh37 (hg19) VCF-style: chr8-77895518-C-T.
Other names: c.897G>A, p.Met299Ile (NM_001079867.2, NM_001172086.2, NM_001172087.2); short protein forms M299I.
Identifiers: ClinVar variation 1519677 (VCV001519677.6), dbSNP rs1806890153, ClinGen allele CA371556327.
Genomic context (GRCh38, chr8:76,983,282, plus strand): 5'-ACGGTGCATTTTTTTCCTCAAAGGAAGCAATTTTAGTTTCTAAAGAGCATTTACTTCTGA[C>T]ATCTCGATTCCTGATTTCAGTGGCTGCAGACTGTGTACTTCTGTGCCACACTTAGGACAA-3'
Protein context (NP_000309.2, residues 289-305): SLQPLKSGIE[Met299Ile]SEVNAL